The following is an entry in ClinVar:

ClinVar aggregate classification (germline): Uncertain significance. Review status: criteria provided, multiple submitters, no conflicts (2 of 4 stars). 3 submissions from 3 submitters: Uncertain significance (3). Last evaluated 2023-06-19.

Conditions:
Long QT syndrome (LQTS). Identifiers: MedGen C0023976, MeSH D008133, MONDO:0002442. Disease mechanism: loss of function. Inheritance: Various modes of inheritance.
Long QT syndrome 12 (LQT12). Identifiers: Orphanet 101016, Orphanet 768, MedGen C2751830, MONDO:0013062, OMIM 612955.

Allele frequency attached by ClinVar (database versions not stated): gnomAD 0.00001; TOPMed 0.00001.
gnomAD v4.1: 31 of 1,613,942 alleles (0.0019%); highest among the groups gnomAD compares: Non-Finnish European, 0.0024%; no homozygotes.

Submissions (3):

Women's Health and Genetics/Laboratory Corporation of America, LabCorp
Classification: Uncertain significance. Last evaluated: 2023-06-19. Review status: criteria provided, single submitter. Criteria: LabCorp Variant Classification Summary - May 2015. Collection method: clinical testing. Allele origin: germline.
Comment: Variant summary: SNTA1 c.1339C>T (p.Arg447X) results in a premature termination codon, predicted to cause a truncation of the encoded protein or absence of the protein due to nonsense mediated decay, however the molecular mechanism of disease attributed to SNTA1 is gain-of-function. The variant was absent in 251410 control chromosomes. The available data on variant occurrences in the general population are insufficient to allow any conclusion about variant significance. c.1339C>T has been reported in the literature as a VUS in at least one individual with suspected arrhythmia without strong evidence for causality (e.g., Marschall_2019). This report does not provide unequivocal conclusions about association of the variant with Long QT Syndrome. To our knowledge, no experimental evidence demonstrating an impact on protein function has been reported. The following publication has been ascertained in the context of this evaluation (PMID: 31737537). Two clinical diagnostic laboratories have submitted clinical-significance assessments for this variant to ClinVar after 2014, and both laboratories classified the variant as uncertain significance. Based on the evidence outlined above, the variant was classified as uncertain significance.

Labcorp Genetics (formerly Invitae), Labcorp
Classification: Uncertain significance for Long QT syndrome. Last evaluated: 2022-03-24. Review status: criteria provided, single submitter. Criteria: Invitae Variant Classification Sherloc (09022015). Collection method: clinical testing. Allele origin: germline.
Comment: In summary, the available evidence is currently insufficient to determine the role of this variant in disease. Therefore, it has been classified as a Variant of Uncertain Significance. ClinVar contains an entry for this variant (Variation ID: 560703). This premature translational stop signal has been observed in individual(s) with clinical features of long QT syndrome (PMID: 31737537). This variant is not present in population databases (gnomAD no frequency). This sequence change creates a premature translational stop signal (p.Arg447*) in the SNTA1 gene. It is expected to result in an absent or disrupted protein product. However, the current clinical and genetic evidence is not sufficient to establish whether loss-of-function variants in SNTA1 cause disease.

MVZ Martinsried, Medicover Genetics
Classification: Uncertain significance for Long QT syndrome 12. Last evaluated: 2018-04-30. Review status: criteria provided, single submitter. Criteria: ACMG Guidelines, 2015. Collection method: clinical testing. Allele origin: unknown. Affected: yes.

Literature cited by the submitters: PubMed 31737537 (cited by Women's Health and Genetics/Laboratory Corporation of America, LabCorp and Labcorp Genetics (formerly Invitae), Labcorp).

NM_003098.3(SNTA1):c.1339C>T (p.Arg447Ter)

Gene: SNTA1 (syntrophin alpha 1; minus strand). Cytogenetic location: 20q11.21.
Variant type: single nucleotide variant.
Coding change: c.1339C>T on transcript NM_003098.3 (MANE Select); coding-DNA position 1339, C replaced by T.
Protein change: p.Arg447Ter; replaces arginine 447 with a stop codon.
Molecular consequence: nonsense.
Genome position (GRCh38, 1-based): chr20:33,408,787, G>A on the plus strand (C>T on the coding strand, the complement: SNTA1 is on the minus strand). VCF-style: chr20-33408787-G-A. GRCh37 (hg19) VCF-style: chr20-31996593-G-A.
Other names: short protein forms R447*.
Identifiers: ClinVar variation 560703 (VCV000560703.6), dbSNP rs1187536758, ClinGen allele CA408630255.